The following is an entry in ClinVar:

ClinVar aggregate classification (germline): Uncertain significance (1 of 4 stars; one submission).

Submission:

Dasa
Classification: Uncertain significance. Last evaluated: 2026-05-26. Review status: criteria provided, single submitter. Criteria: DASA Assertion Criteria. Collection method: clinical testing. Allele origin: germline.
Comment: NM_001273.5(CHD4):c.416A>C (p.Glu139Ala) is a missense variant that results in the substitution of glutamic acid with alanine. This variant is rare in population databases. The currently available literature and clinical evidence are not sufficient to establish a definitive association between this variant and the reported condition. Therefore, this variant is classified as a variant of uncertain significance.

NM_001273.5(CHD4):c.416A>C (p.Glu139Ala)

Gene: CHD4 (chromodomain helicase DNA binding protein 4; minus strand). Cytogenetic location: 12p13.31.
Variant type: single nucleotide variant.
Coding change: c.416A>C on transcript NM_001273.5 (MANE Select); coding-DNA position 416, A replaced by C.
Protein change: p.Glu139Ala; replaces glutamic acid 139 with alanine.
Molecular consequence: missense variant.
Genome position (GRCh38, 1-based): chr12:6,601,982, T>G on the plus strand (A>C on the coding strand, the complement: CHD4 is on the minus strand). VCF-style: chr12-6601982-T-G. GRCh37 (hg19) VCF-style: chr12-6711148-T-G.
Other names: c.395A>C, p.Glu132Ala (NM_001297553.2); c.416A>C, p.Glu139Ala (NM_001363606.2); short protein forms E132A, E139A.
Identifiers: ClinVar variation 5020486 (VCV005020486.1).